The following is an entry in ClinVar:

ClinVar aggregate classification (germline): Uncertain significance (1 of 4 stars; one submission).

Conditions:
Progressive sclerosing poliodystrophy (MTDPS4A). Also called: ALPERS PROGRESSIVE INFANTILE POLIODYSTROPHY; ALPERS DIFFUSE DEGENERATION OF CEREBRAL GRAY MATTER WITH HEPATIC CIRRHOSIS; Alpers-Huttenlocher Syndrome; NEURONAL DEGENERATION OF CHILDHOOD WITH LIVER DISEASE, PROGRESSIVE; Alpers Syndrome; Mitochondrial DNA Depletion Syndrome 4A. Identifiers: Orphanet 726, MedGen C0205710, MONDO:0008758, OMIM 203700.

Allele frequency attached by ClinVar (database versions not stated): gnomAD exomes below 0.00001.
gnomAD v4.1: 1 of 1,613,578 alleles (0.000062%); highest among the groups gnomAD compares: Non-Finnish European, 0.000085%; no homozygotes.

Submission:

Labcorp Genetics (formerly Invitae), Labcorp
Classification: Uncertain significance for Progressive sclerosing poliodystrophy. Last evaluated: 2024-01-18. Review status: criteria provided, single submitter. Criteria: Invitae Variant Classification Sherloc (09022015). Collection method: clinical testing. Allele origin: germline.
Comment: This sequence change falls in intron 14 of the POLG gene. It does not directly change the encoded amino acid sequence of the POLG protein. It affects a nucleotide within the consensus splice site. This variant is not present in population databases (gnomAD no frequency). This variant has not been reported in the literature in individuals affected with POLG-related conditions. ClinVar contains an entry for this variant (Variation ID: 1019513). Variants that disrupt the consensus splice site are a relatively common cause of aberrant splicing (PMID: 17576681, 9536098). Algorithms developed to predict the effect of sequence changes on RNA splicing suggest that this variant is not likely to affect RNA splicing. In summary, the available evidence is currently insufficient to determine the role of this variant in disease. Therefore, it has been classified as a Variant of Uncertain Significance.

Literature cited by the submitters: PubMed 17576681; PubMed 9536098.

NM_002693.3(POLG):c.2426+6C>T

Gene: POLG (DNA polymerase gamma, catalytic subunit; minus strand). Cytogenetic location: 15q26.1.
Variant type: single nucleotide variant.
Coding change: c.2426+6C>T on transcript NM_002693.3 (MANE Select); 6 bases into the intron after coding-DNA position 2426, C replaced by T.
Molecular consequence: intron variant.
Genome position (GRCh38, 1-based): chr15:89,322,736, G>A on the plus strand (C>T on the coding strand, the complement: POLG is on the minus strand). VCF-style: chr15-89322736-G-A. GRCh37 (hg19) VCF-style: chr15-89865967-G-A.
Other names: c.2426+6C>T (NM_001126131.2).
Identifiers: ClinVar variation 1019513 (VCV001019513.8), dbSNP rs2055414347, ClinGen allele CA2194553234.